The following is an entry in ClinVar:

ClinVar aggregate classification (germline): Uncertain significance. Review status: criteria provided, multiple submitters, no conflicts (2 of 4 stars). 2 submissions from 2 submitters: Uncertain significance (2). Last evaluated 2026-05-22.

Conditions:
Hereditary cancer-predisposing syndrome. Also called: Tumor predisposition; Neoplastic Syndromes, Hereditary; Hereditary neoplastic syndrome; Hereditary Cancer Syndrome. Identifiers: Orphanet 140162, MedGen C0027672, MeSH D009386, MONDO:0015356.
Cardiovascular phenotype. Identifiers: MedGen CN230736.
Neurofibromatosis, type 1 (NF1). Also called: Peripheral type neurofibromatosis; Neurofibromatosis, type I; NEUROFIBROMATOSIS, TYPE I, SOMATIC; VON RECKLINGHAUSEN DISEASE. Identifiers: Orphanet 636, MedGen C0027831, MONDO:0018975, OMIM 162200. Disease mechanism: loss of function.

Allele frequency attached by ClinVar (database versions not stated): gnomAD exomes below 0.00001; gnomAD 0.00001.
gnomAD v4.1: 2 of 1,613,782 alleles (0.00012%); highest among the groups gnomAD compares: African/African-American, 0.0027%; no homozygotes.

Submissions (2):

Ambry Genetics
Classification: Uncertain significance for Cardiovascular phenotype; Hereditary cancer-predisposing syndrome. Last evaluated: 2026-05-22. Review status: criteria provided, single submitter. Criteria: Ambry Variant Classification Scheme 2023. Collection method: clinical testing. Allele origin: germline.
Comment: The p.L525I variant (also known as c.1573T>A), located in coding exon 14 of the NF1 gene, results from a T to A substitution at nucleotide position 1573. The leucine at codon 525 is replaced by isoleucine, an amino acid with highly similar properties. This amino acid position is highly conserved in available vertebrate species. In addition, this alteration is predicted to be tolerated by in silico analysis. Based on the available evidence, the clinical significance of this variant remains unclear.

Labcorp Genetics (formerly Invitae), Labcorp
Classification: Uncertain significance for Neurofibromatosis, type 1. Last evaluated: 2024-08-13. Review status: criteria provided, single submitter. Criteria: Invitae Variant Classification Sherloc (09022015). Collection method: clinical testing. Allele origin: germline.
Comment: This sequence change replaces leucine, which is neutral and non-polar, with isoleucine, which is neutral and non-polar, at codon 525 of the NF1 protein (p.Leu525Ile). This variant is not present in population databases (gnomAD no frequency). This variant has not been reported in the literature in individuals affected with NF1-related conditions. ClinVar contains an entry for this variant (Variation ID: 862461). Invitae Evidence Modeling of protein sequence and biophysical properties (such as structural, functional, and spatial information, amino acid conservation, physicochemical variation, residue mobility, and thermodynamic stability) indicates that this missense variant is not expected to disrupt NF1 protein function with a negative predictive value of 95%. In summary, the available evidence is currently insufficient to determine the role of this variant in disease. Therefore, it has been classified as a Variant of Uncertain Significance.

NM_001042492.3(NF1):c.1573T>A (p.Leu525Ile)

Gene: NF1 (neurofibromin 1; plus strand). Cytogenetic location: 17q11.2.
Variant type: single nucleotide variant.
Coding change: c.1573T>A on transcript NM_001042492.3 (MANE Select); coding-DNA position 1573, T replaced by A.
Protein change: p.Leu525Ile; replaces leucine 525 with isoleucine.
Molecular consequence: missense variant.
Genome position (GRCh38, 1-based): chr17:31,219,050, T>A. VCF-style: chr17-31219050-T-A. GRCh37 (hg19) VCF-style: chr17-29546068-T-A.
Other names: c.1573T>A, p.Leu525Ile (NM_000267.4, NM_001128147.3); short protein forms L525I.
Identifiers: ClinVar variation 862461 (VCV000862461.10), dbSNP rs2066875204, ClinGen allele CA399001909.
Genomic context (GRCh38, chr17:31,219,050, plus strand): 5'-TTTTTTTCCTTGCAGAATCCAAGAAAACAGGGGCCCGAAACCCAAGGCAGTACAGCAGAA[T>A]TAATTACAGGGCTCGTCCAACTGGTCCCTCAGTCACACATGCCAGAGATTGCTCAGGAAG-3'
Protein context (NP_001035957.1, residues 515-535): GPETQGSTAE[Leu525Ile]ITGLVQLVPQ